The following is an entry in ClinVar:

ClinVar aggregate classification (germline): Uncertain significance. Review status: criteria provided, multiple submitters, no conflicts (2 of 4 stars). 2 submissions from 2 submitters: Uncertain significance (2). Last evaluated 2019-08-26.

Conditions:
Maple syrup urine disease (MSUD). Identifiers: Orphanet 511, MedGen C0024776, MeSH D008375, MONDO:0009563. Disease mechanism: loss of function.

Allele frequency attached by ClinVar (database versions not stated): gnomAD exomes below 0.00001; TOPMed 0.00001; gnomAD 0.00002.
gnomAD v4.1: 4 of 1,613,752 alleles (0.00025%); highest among the groups gnomAD compares: Admixed American, 0.0067%; no homozygotes.

Submissions (2):

Labcorp Genetics (formerly Invitae), Labcorp
Classification: Uncertain significance for Maple syrup urine disease. Last evaluated: 2019-08-26. Review status: criteria provided, single submitter. Criteria: Invitae Variant Classification Sherloc (09022015). Collection method: clinical testing. Allele origin: germline.
Comment: This variant is not present in population databases (ExAC no frequency). This variant has not been reported in the literature in individuals with BCKDHB-related conditions. Algorithms developed to predict the effect of missense changes on protein structure and function are either unavailable or do not agree on the potential impact of this missense change (SIFT: "Tolerated"; PolyPhen-2: "Possibly Damaging"; Align-GVGD: "Class C0"). In summary, the available evidence is currently insufficient to determine the role of this variant in disease. Therefore, it has been classified as a Variant of Uncertain Significance. This sequence change replaces alanine with valine at codon 150 of the BCKDHB protein (p.Ala150Val). The alanine residue is highly conserved and there is a small physicochemical difference between alanine and valine.

National Newborn Screening Laboratory, Hospital Nacional de Niños
Classification: Uncertain significance for Maple syrup urine disease type 1A. Review status: criteria provided, single submitter. Criteria: ACMG Guidelines, 2015. Collection method: clinical testing. Allele origin: paternal. Inheritance: Autosomal recessive inheritance. Affected: yes. Observed: 1 compound heterozygote. Segregation with disease observed.
Comment: This missense variant located within exon 4 generates a change from the amino acid Alanine to a Valine in position 150. It is present in population databases in low frequency (GnomAD exomes: 0.000004, TopMed: 0.000008). This variant has not been published in the literature at the time.

NM_183050.4(BCKDHB):c.449C>T (p.Ala150Val)

Gene: BCKDHB (branched chain keto acid dehydrogenase E1 subunit beta; plus strand). Cytogenetic location: 6q14.1.
Variant type: single nucleotide variant.
Coding change: c.449C>T on transcript NM_183050.4 (MANE Select); coding-DNA position 449, C replaced by T.
Protein change: p.Ala150Val; replaces alanine 150 with valine.
Molecular consequence: missense variant. On other transcripts: non-coding transcript variant (1).
Genome position (GRCh38, 1-based): chr6:80,167,783, C>T. VCF-style: chr6-80167783-C-T. GRCh37 (hg19) VCF-style: chr6-80877500-C-T.
Other names: c.449C>T, p.Ala150Val (NM_000056.5); c.239C>T, p.Ala80Val (NM_001318975.1); short protein forms A150V, A80V.
Identifiers: ClinVar variation 934001 (VCV000934001.10), dbSNP rs867033248, ClinGen allele CA142283913.